The following is an entry in ClinVar:

ClinVar aggregate classification (germline): Uncertain significance (1 of 4 stars; one submission).

Conditions:
Inborn genetic diseases. Identifiers: MedGen C0950123, MeSH D030342.

Submission:

Ambry Genetics
Classification: Uncertain significance for Inborn genetic diseases. Last evaluated: 2025-05-25. Review status: criteria provided, single submitter. Criteria: Ambry Variant Classification Scheme 2023. Collection method: clinical testing. Allele origin: germline.
Comment: The p.E171G variant (also known as c.512A>G), located in coding exon 4 of the ELANE gene, results from an A to G substitution at nucleotide position 512. The glutamic acid at codon 171 is replaced by glycine, an amino acid with similar properties. This amino acid position is conserved. In addition, the in silico prediction for this alteration is inconclusive. Based on the available evidence, the clinical significance of this variant remains unclear.

NM_001972.4(ELANE):c.512A>G (p.Glu171Gly)

Gene: ELANE (elastase, neutrophil expressed; plus strand). Cytogenetic location: 19p13.3.
Variant type: single nucleotide variant.
Coding change: c.512A>G on transcript NM_001972.4 (MANE Select); coding-DNA position 512, A replaced by G.
Protein change: p.Glu171Gly; replaces glutamic acid 171 with glycine.
Molecular consequence: missense variant.
Genome position (GRCh38, 1-based): chr19:855,709, A>G. VCF-style: chr19-855709-A-G. GRCh37 (hg19) VCF-style: chr19-855709-A-G.
Other names: short protein forms E171G.
Identifiers: ClinVar variation 4017402 (VCV004017402.1).